The following is an entry in ClinVar:

NM_016628.5(WAC):c.1864dup (p.Arg622fs)

Gene: WAC (WW domain containing adaptor with coiled-coil; plus strand). Cytogenetic location: 10p12.1.
Variant type: Duplication.
Coding change: c.1864dup on transcript NM_016628.5 (MANE Select); coding-DNA position 1864, one base duplicated (C; older notation c.1864dupC).
Protein change: p.Arg622fs; shifts the reading frame from arginine 622.
Molecular consequence: frameshift variant.
Genome position (GRCh38, 1-based): chr10:28,617,774, C duplicated. VCF-style (leftmost placement, unchanged base first): chr10-28617773-G-GC. GRCh37 (hg19) VCF-style: chr10-28906702-G-GC.
Other names: c.1729dup, p.Arg577fs (NM_100264.3); c.1555dup, p.Arg519fs (NM_100486.4); short protein forms R519fs, R577fs, R622fs.
Identifiers: ClinVar variation 2577830 (VCV002577830.1), dbSNP rs2492227270, ClinGen allele CA2580617495.

ClinVar aggregate classification (germline): Pathogenic (1 of 4 stars; one submission).

Submission:

GeneDx
Classification: Pathogenic. Last evaluated: 2023-08-28. Review status: criteria provided, single submitter. Criteria: GeneDx Variant Classification Process June 2021. Collection method: clinical testing. Allele origin: germline. Affected: yes.
Comment: Frameshift variant predicted to result in protein truncation, as the last 26 amino acids are replaced with 12 different amino acids, and other loss-of-function variants have been reported downstream in the Human Gene Mutation Database (HGMD); Not observed in large population cohorts (gnomAD); Has not been previously published as pathogenic or benign to our knowledge